The following is an entry in ClinVar:

NM_000051.4(ATM):c.4241C>T (p.Ser1414Phe)

Gene: ATM (ATM serine/threonine kinase; plus strand). Cytogenetic location: 11q22.3.
Variant type: single nucleotide variant.
Coding change: c.4241C>T on transcript NM_000051.4 (MANE Select); coding-DNA position 4241, C replaced by T.
Protein change: p.Ser1414Phe; replaces serine 1414 with phenylalanine.
Molecular consequence: missense variant.
Genome position (GRCh38, 1-based): chr11:108,289,606, C>T. VCF-style: chr11-108289606-C-T. GRCh37 (hg19) VCF-style: chr11-108160333-C-T.
Other names: c.4241C>T, p.Ser1414Phe (NM_001351834.2); short protein forms S1414F.
Identifiers: ClinVar variation 1739003 (VCV001739003.3), dbSNP rs876659292, ClinGen allele CA382530982.

ClinVar aggregate classification (germline): Uncertain significance. Review status: criteria provided, multiple submitters, no conflicts (2 of 4 stars). 2 submissions from 2 submitters: Uncertain significance (2). Last evaluated 2025-04-22.

Conditions:
Hereditary cancer-predisposing syndrome. Also called: Neoplastic Syndromes, Hereditary; Tumor predisposition; Hereditary Cancer Syndrome; Hereditary neoplastic syndrome. Identifiers: Orphanet 140162, MedGen C0027672, MeSH D009386, MONDO:0015356.
Ataxia-telangiectasia syndrome (AT). Also called: LOUIS-BAR SYNDROME; Cerebello-oculocutaneous telangiectasia; Immunodeficiency with ataxia telangiectasia; Ataxia-telangiectasia, complementation group D; AT, COMPLEMENTATION GROUP C; ATAXIA-TELANGIECTASIA, COMPLEMENTATION GROUP A. Identifiers: Orphanet 100, MedGen C0004135, MONDO:0008840, OMIM 208900.

Submissions (2):

Labcorp Genetics (formerly Invitae), Labcorp
Classification: Uncertain significance for Ataxia-telangiectasia syndrome. Last evaluated: 2025-04-22. Review status: criteria provided, single submitter. Criteria: Invitae Variant Classification Sherloc (09022015). Collection method: clinical testing. Allele origin: germline.
Comment: This sequence change replaces serine, which is neutral and polar, with phenylalanine, which is neutral and non-polar, at codon 1414 of the ATM protein (p.Ser1414Phe). This variant is not present in population databases (gnomAD no frequency). This variant has not been reported in the literature in individuals affected with ATM-related conditions. ClinVar contains an entry for this variant (Variation ID: 1739003). Invitae Evidence Modeling of protein sequence and biophysical properties (such as structural, functional, and spatial information, amino acid conservation, physicochemical variation, residue mobility, and thermodynamic stability) has been performed for this missense variant. However, the output from this modeling did not meet the statistical confidence thresholds required to predict the impact of this variant on ATM protein function. In summary, the available evidence is currently insufficient to determine the role of this variant in disease. Therefore, it has been classified as a Variant of Uncertain Significance.

Ambry Genetics
Classification: Uncertain significance for Hereditary cancer-predisposing syndrome. Last evaluated: 2022-08-02. Review status: criteria provided, single submitter. Criteria: Ambry Variant Classification Scheme 2023. Collection method: clinical testing. Allele origin: germline.
Comment: The p.S1414F variant (also known as c.4241C>T), located in coding exon 28 of the ATM gene, results from a C to T substitution at nucleotide position 4241. The serine at codon 1414 is replaced by phenylalanine, an amino acid with highly dissimilar properties. This amino acid position is well conserved in available vertebrate species. In addition, this alteration is predicted to be deleterious by in silico analysis. Since supporting evidence is limited at this time, the clinical significance of this alteration remains unclear.